The following is an entry in ClinVar:

ClinVar aggregate classification (germline): Uncertain significance (1 of 4 stars; one submission).

Conditions:
Tuberous sclerosis 2 (TSC2). Identifiers: Orphanet 805, MedGen C1860707, MONDO:0013199, OMIM 613254.

gnomAD v4.1: 2 of 1,611,598 alleles (0.00012%); highest among the groups gnomAD compares: Non-Finnish European, 0.00017%; no homozygotes.

Submission:

Labcorp Genetics (formerly Invitae), Labcorp
Classification: Uncertain significance for Tuberous sclerosis 2. Last evaluated: 2025-09-30. Review status: criteria provided, single submitter. Criteria: Invitae Variant Classification Sherloc (09022015). Collection method: clinical testing. Allele origin: germline.
Comment: This sequence change replaces aspartic acid, which is acidic and polar, with asparagine, which is neutral and polar, at codon 1327 of the TSC2 protein (p.Asp1327Asn). This variant is not present in population databases (gnomAD no frequency). This variant has not been reported in the literature in individuals affected with TSC2-related conditions. Invitae Evidence Modeling of protein sequence and biophysical properties (such as structural, functional, and spatial information, amino acid conservation, physicochemical variation, residue mobility, and thermodynamic stability) indicates that this missense variant is not expected to disrupt TSC2 protein function with a negative predictive value of 95%. In summary, the available evidence is currently insufficient to determine the role of this variant in disease. Therefore, it has been classified as a Variant of Uncertain Significance.

NM_000548.5(TSC2):c.3979G>A (p.Asp1327Asn)

Gene: TSC2 (TSC complex subunit 2; plus strand). Cytogenetic location: 16p13.3.
Variant type: single nucleotide variant.
Coding change: c.3979G>A on transcript NM_000548.5 (MANE Select); coding-DNA position 3979, G replaced by A.
Protein change: p.Asp1327Asn; replaces aspartic acid 1327 with asparagine.
Molecular consequence: missense variant. On other transcripts: non-coding transcript variant (5).
Genome position (GRCh38, 1-based): chr16:2,083,790, G>A. VCF-style: chr16-2083790-G-A. GRCh37 (hg19) VCF-style: chr16-2133791-G-A.
Other names: c.3778G>A, p.Asp1260Asn (NM_001077183.3); c.3910G>A, p.Asp1304Asn (NM_001114382.3); c.3670G>A, p.Asp1224Asn (NM_001318827.2); c.3634G>A, p.Asp1212Asn (NM_001318829.2); c.3247G>A, p.Asp1083Asn (NM_001318831.2); c.3811G>A, p.Asp1271Asn (NM_001318832.2); c.3781G>A, p.Asp1261Asn (NM_001363528.2); c.3847G>A, p.Asp1283Asn (NM_001370404.1); and 26 more; short protein forms D1060N, D1061N, D1083N, D1103N, D1104N, D1107N, D1127N, D1211N.
Identifiers: ClinVar variation 4802879 (VCV004802879.1).